The following is an entry in ClinVar:

NM_000548.5(TSC2):c.417G>T (p.Arg139Ser)

Gene: TSC2 (TSC complex subunit 2; plus strand). Cytogenetic location: 16p13.3.
Variant type: single nucleotide variant.
Coding change: c.417G>T on transcript NM_000548.5 (MANE Select); coding-DNA position 417, G replaced by T.
Protein change: p.Arg139Ser; replaces arginine 139 with serine.
Molecular consequence: missense variant. On other transcripts: 5 prime UTR variant (14), non-coding transcript variant (5), intron variant (6).
Genome position (GRCh38, 1-based): chr16:2,054,376, G>T. VCF-style: chr16-2054376-G-T. GRCh37 (hg19) VCF-style: chr16-2104377-G-T.
Other names: c.417G>T, p.Arg139Ser (NM_001077183.3, NM_001114382.3, NM_001406665.1 and 8 more transcripts); c.306G>T, p.Arg102Ser (NM_001318827.2, NM_001406670.1, NM_001406678.1); c.270G>T, p.Arg90Ser (NM_001318829.2, NM_001406675.1, NM_001406676.1 and 1 more transcripts); c.450G>T, p.Arg150Ser (NM_001318832.2); c.507G>T, p.Arg169Ser (NM_001406667.1, NM_001406668.1); c.360G>T, p.Arg120Ser (NM_001406677.1); c.-400G>T (NM_001406680.1, NM_001406683.1, NM_001406687.1); c.-29G>T (NM_001406681.1); and 6 more; short protein forms R120S, R169S, R90S, R102S, R150S, R139S.
Identifiers: ClinVar variation 3462614 (VCV003462614.1).

ClinVar aggregate classification (germline): Uncertain significance (1 of 4 stars; one submission).

Conditions:
Hereditary cancer-predisposing syndrome. Also called: Tumor predisposition; Neoplastic Syndromes, Hereditary; Hereditary neoplastic syndrome; Hereditary Cancer Syndrome. Identifiers: Orphanet 140162, MedGen C0027672, MeSH D009386, MONDO:0015356.

Submission:

Ambry Genetics
Classification: Uncertain significance for Hereditary cancer-predisposing syndrome. Last evaluated: 2024-09-01. Review status: criteria provided, single submitter. Criteria: Ambry Variant Classification Scheme 2023. Collection method: clinical testing. Allele origin: germline.
Comment: The p.R139S variant (also known as c.417G>T), located in coding exon 4 of the TSC2 gene, results from a G to T substitution at nucleotide position 417. The arginine at codon 139 is replaced by serine, an amino acid with dissimilar properties. This amino acid position is conserved. In addition, this alteration is predicted to be deleterious by in silico analysis. Based on the available evidence, the clinical significance of this variant remains unclear.